The following is an entry in ClinVar:

NM_001846.4(COL4A2):c.315+5G>A

Gene: COL4A2 (collagen type IV alpha 2 chain; plus strand). Cytogenetic location: 13q34.
Variant type: single nucleotide variant.
Coding change: c.315+5G>A on transcript NM_001846.4 (MANE Select); 5 bases into the intron after coding-DNA position 315, G replaced by A.
Molecular consequence: intron variant.
Genome position (GRCh38, 1-based): chr13:110,424,873, G>A. VCF-style: chr13-110424873-G-A. GRCh37 (hg19) VCF-style: chr13-111077220-G-A.
Identifiers: ClinVar variation 1196528 (VCV001196528.6), dbSNP rs1406323858, ClinGen allele CA612866454.

ClinVar aggregate classification (germline): Uncertain significance. Review status: criteria provided, multiple submitters, no conflicts (2 of 4 stars). 2 submissions from 2 submitters: Uncertain significance (2). Last evaluated 2024-08-19.

Allele frequency attached by ClinVar (database versions not stated): gnomAD exomes below 0.00001.
gnomAD v4.1: 7 of 1,613,996 alleles (0.00043%); highest among the groups gnomAD compares: African/African-American, 0.0013%; no homozygotes.

Submissions (2):

GeneDx
Classification: Uncertain significance. Last evaluated: 2024-08-19. Review status: criteria provided, single submitter. Criteria: GeneDx Variant Classification Process June 2021. Collection method: clinical testing. Allele origin: germline. Affected: yes.
Comment: Has not been previously published as pathogenic or benign to our knowledge; In silico analysis is inconclusive as to whether the variant alters gene splicing. In the absence of RNA/functional studies, the actual effect of this sequence change is unknown.

Labcorp Genetics (formerly Invitae), Labcorp
Classification: Uncertain significance. Last evaluated: 2023-04-12. Review status: criteria provided, single submitter. Criteria: Invitae Variant Classification Sherloc (09022015). Collection method: clinical testing. Allele origin: germline.
Comment: ClinVar contains an entry for this variant (Variation ID: 1196528). This sequence change falls in intron 5 of the COL4A2 gene. It does not directly change the encoded amino acid sequence of the COL4A2 protein. It affects a nucleotide within the consensus splice site. This variant is present in population databases (no rsID available, gnomAD 0.0009%). This variant has not been reported in the literature in individuals affected with COL4A2-related conditions. Variants that disrupt the consensus splice site are a relatively common cause of aberrant splicing (PMID: 17576681, 9536098). Algorithms developed to predict the effect of sequence changes on RNA splicing suggest that this variant may disrupt the consensus splice site. In summary, the available evidence is currently insufficient to determine the role of this variant in disease. Therefore, it has been classified as a Variant of Uncertain Significance.

Literature cited by the submitters: PubMed 17576681 (cited by Labcorp Genetics (formerly Invitae), Labcorp); PubMed 9536098 (cited by Labcorp Genetics (formerly Invitae), Labcorp).